The following is an entry in ClinVar:

ClinVar aggregate classification (germline): Uncertain significance (1 of 4 stars; one submission).

Submission:

Labcorp Genetics (formerly Invitae), Labcorp
Classification: Uncertain significance. Last evaluated: 2025-05-26. Review status: criteria provided, single submitter. Criteria: Invitae Variant Classification Sherloc (09022015). Collection method: clinical testing. Allele origin: germline.
Comment: This sequence change replaces threonine, which is neutral and polar, with methionine, which is neutral and non-polar, at codon 144 of the ZC4H2 protein (p.Thr144Met). Information on the frequency of this variant in the gnomAD database is not available, as this variant may be reported differently in the database. This variant has not been reported in the literature in individuals affected with ZC4H2-related conditions. An algorithm developed to predict the effect of missense changes on protein structure and function (PolyPhen-2) suggests that this variant is likely to be disruptive. In summary, the available evidence is currently insufficient to determine the role of this variant in disease. Therefore, it has been classified as a Variant of Uncertain Significance.

NM_018684.4(ZC4H2):c.431_432inv (p.Thr144Met)

Gene: ZC4H2 (zinc finger C4H2-type containing; minus strand). Cytogenetic location: Xq11.2.
Variant type: Inversion.
Coding change: c.431_432inv on transcript NM_018684.4 (MANE Select).
Protein change: p.Thr144Met; replaces threonine 144 with methionine.
Molecular consequence: missense variant. On other transcripts: non-coding transcript variant (1), intron variant (1).
Genome position: GRCh38 VCF-style: chrX-64919171-TG-CA. GRCh37 (hg19) VCF-style: chrX-64139051-TG-CA.
Other names: c.362_363inv, p.Thr121Met (NM_001178032.3, NM_001243804.2); c.398+909_398+910inv (NM_001178033.3); short protein forms T121M, T144M.
Identifiers: ClinVar variation 4761132 (VCV004761132.1).